The following is an entry in ClinVar:

ClinVar aggregate classification (germline): Benign (1 of 4 stars; one submission).

Conditions:
Breast-ovarian cancer, familial, susceptibility to, 3. Also called: RAD51C-Related Breast/Ovarian Cancer. Identifiers: Orphanet 145, MedGen C3150659, MONDO:0013253, OMIM 613399.

Submission:

Myriad Genetics, Inc.
Classification: Benign for Breast-ovarian cancer, familial, susceptibility to, 3. Last evaluated: 2025-02-18. Review status: criteria provided, single submitter. Criteria: Myriad Autosomal Dominant, Autosomal Recessive and X-Linked Classification Criteria (2023). Collection method: clinical testing. Allele origin: unknown.
Comment: This variant is considered benign. This variant is a silent/synonymous amino acid change and it is not expected to impact splicing.

NM_058216.3(RAD51C):c.426G>A (p.Val142=)

Gene: RAD51C (RAD51 paralog C; plus strand). Cytogenetic location: 17q22.
Variant type: single nucleotide variant.
Coding change: c.426G>A on transcript NM_058216.3 (MANE Select); coding-DNA position 426, G replaced by A.
Protein change: p.Val142=; no amino-acid change (valine 142 retained).
Molecular consequence: synonymous variant.
Genome position (GRCh38, 1-based): chr17:58,696,714, G>A. VCF-style: chr17-58696714-G-A. GRCh37 (hg19) VCF-style: chr17-56774075-G-A.
Identifiers: ClinVar variation 3903991 (VCV003903991.1).
Genomic context (GRCh38, chr17:58,696,714, plus strand): 5'-TCATCATGATTTGGTTGTTTGTCATCTTTCTGTTGACAGTATGCAGTTGGCAGTAGATGT[G>A]CAGATACCAGAATGTTTTGGAGGAGTGGCAGGTGAAGCAGTTTTTATTGATACAGAGGGA-3'
Protein context (NP_478123.1, residues 132-152): TQLCMQLAVD[Val142=]QIPECFGGVA